The following is an entry in ClinVar:

NM_206933.4(USH2A):c.4628-3C>G

Gene: USH2A (usherin; minus strand). Cytogenetic location: 1q41.
Variant type: single nucleotide variant.
Coding change: c.4628-3C>G on transcript NM_206933.4 (MANE Select); 3 bases into the intron before coding-DNA position 4628, C replaced by G.
Molecular consequence: intron variant.
Genome position (GRCh38, 1-based): chr1:216,097,216, G>C on the plus strand (C>G on the coding strand, the complement: USH2A is on the minus strand). VCF-style: chr1-216097216-G-C. GRCh37 (hg19) VCF-style: chr1-216270558-G-C.
Identifiers: ClinVar variation 1428902 (VCV001428902.4), dbSNP rs2102572923, ClinGen allele CA2573131632.

ClinVar aggregate classification (germline): Uncertain significance (1 of 4 stars; one submission).

Submission:

Labcorp Genetics (formerly Invitae), Labcorp
Classification: Uncertain significance. Last evaluated: 2024-02-24. Review status: criteria provided, single submitter. Criteria: Invitae Variant Classification Sherloc (09022015). Collection method: clinical testing. Allele origin: germline.
Comment: This sequence change falls in intron 21 of the USH2A gene. It does not directly change the encoded amino acid sequence of the USH2A protein. It affects a nucleotide within the consensus splice site. This variant is not present in population databases (gnomAD no frequency). This variant has not been reported in the literature in individuals affected with USH2A-related conditions. ClinVar contains an entry for this variant (Variation ID: 1428902). Variants that disrupt the consensus splice site are a relatively common cause of aberrant splicing (PMID: 17576681, 9536098). Algorithms developed to predict the effect of sequence changes on RNA splicing suggest that this variant may disrupt the consensus splice site. In summary, the available evidence is currently insufficient to determine the role of this variant in disease. Therefore, it has been classified as a Variant of Uncertain Significance.

Literature cited by the submitters: PubMed 17576681; PubMed 9536098.